The following is an entry in ClinVar:

NM_001142800.2(EYS):c.7162C>T (p.Pro2388Ser)

Gene: EYS (EGF-like photoreceptor maintenance factor; minus strand). Cytogenetic location: 6q12.
Variant type: single nucleotide variant.
Coding change: c.7162C>T on transcript NM_001142800.2 (MANE Select); coding-DNA position 7162, C replaced by T.
Protein change: p.Pro2388Ser; replaces proline 2388 with serine.
Molecular consequence: missense variant.
Genome position (GRCh38, 1-based): chr6:63,864,252, G>A on the plus strand (C>T on the coding strand, the complement: EYS is on the minus strand). VCF-style: chr6-63864252-G-A. GRCh37 (hg19) VCF-style: chr6-64574145-G-A.
Other names: c.7162C>T, p.Pro2388Ser (NM_001292009.2); short protein forms P2388S.
Identifiers: ClinVar variation 1977283 (VCV001977283.5), dbSNP rs2532982526, ClinGen allele CA364386411.

ClinVar aggregate classification (germline): Uncertain significance (1 of 4 stars; one submission).

Submission:

Labcorp Genetics (formerly Invitae), Labcorp
Classification: Uncertain significance. Last evaluated: 2022-08-11. Review status: criteria provided, single submitter. Criteria: Invitae Variant Classification Sherloc (09022015). Collection method: clinical testing. Allele origin: germline.
Comment: In summary, the available evidence is currently insufficient to determine the role of this variant in disease. Therefore, it has been classified as a Variant of Uncertain Significance. Algorithms developed to predict the effect of missense changes on protein structure and function are either unavailable or do not agree on the potential impact of this missense change (SIFT: "Tolerated"; PolyPhen-2: "Possibly Damaging"; Align-GVGD: "Class C0"). This variant has not been reported in the literature in individuals affected with EYS-related conditions. This variant is not present in population databases (gnomAD no frequency). This sequence change replaces proline, which is neutral and non-polar, with serine, which is neutral and polar, at codon 2388 of the EYS protein (p.Pro2388Ser).